The following is an entry in ClinVar:

ClinVar aggregate classification (germline): Uncertain significance. Review status: reviewed by expert panel (3 of 4 stars). 5 submissions from 5 submitters: Uncertain significance (1). 4 of the submissions do not count toward it. Last evaluated 2026-02-05.

Conditions:
Glanzmann thrombasthenia. Also called: THROMBASTHENIA OF GLANZMANN AND NAEGELI; PLATELET GLYCOPROTEIN IIb-IIIa DEFICIENCY; Thrombasthenia; Glanzmann's thrombasthenia. Identifiers: Orphanet 849, MedGen C0040015, MONDO:0100326.

Allele frequency attached by ClinVar (database versions not stated): gnomAD 0.00018 and 0.00017; 1000 Genomes Project 0.00020; gnomAD exomes 0.00020 and 0.00011; TOPMed 0.00029; ESP Exome Variant Server 0.00031; ExAC 0.00015; 1000 Genomes Project 30x 0.00016.

Submissions (5):

ClinGen Platelet Disorders Variant Curation Expert Panel, ClinGen
Classification: Uncertain significance for Glanzmann thrombasthenia. Last evaluated: 2026-02-05. Review status: reviewed by expert panel. Criteria: ClinGen Platelet ACMG Specifications v2-1. Collection method: curation. Allele origin: germline. Inheritance: Autosomal recessive inheritance.
Comment: The NM_000419.5:c.1708G>A variant in ITGA2B/ is a missense variant predicted to cause substitution of Glycine by Arginine at amino acid 570 (p.Gly570Arg). The computational predictor REVEL gives a score of 0.025, which is below the ClinGen PD VCEP threshold of <0.25 and predicts no damaging effect on ITGA2B function (BP4). In summary, this variant meets the criteria to be classified as Uncertain significance - insufficient evidence for autosomal recessive Glanzmann Thrombasthenia based on the ACMG/AMP criteria applied, as specified by the ClinGen PD VCEP: BP4 (VCEP specifications version 2).

Labcorp Genetics (formerly Invitae), Labcorp
Classification: Uncertain significance for Glanzmann thrombasthenia. Last evaluated: 2025-12-13. Review status: criteria provided, single submitter. Criteria: Invitae Variant Classification Sherloc (09022015). Collection method: clinical testing. Allele origin: germline. Not counted in ClinVar's aggregate classification.
Comment: This sequence change replaces glycine, which is neutral and non-polar, with arginine, which is basic and polar, at codon 570 of the ITGA2B protein (p.Gly570Arg). This variant is present in population databases (rs146382550, gnomAD 0.08%). This variant has not been reported in the literature in individuals affected with ITGA2B-related conditions. ClinVar contains an entry for this variant (Variation ID: 892302). An algorithm developed to predict the effect of missense changes on protein structure and function outputs the following: PolyPhen-2: "Benign". The arginine amino acid residue is found in multiple mammalian species, which suggests that this missense change does not adversely affect protein function. In summary, the available evidence is currently insufficient to determine the role of this variant in disease. Therefore, it has been classified as a Variant of Uncertain Significance.

CeGaT Center for Human Genetics Tuebingen
Classification: Likely benign. Last evaluated: 2025-10-01. Review status: criteria provided, single submitter. Criteria: CeGaT Center For Human Genetics Tuebingen Variant Classification Criteria Version 2. Collection method: clinical testing. Allele origin: germline. Affected: yes. Observed: 1 variant allele. Not counted in ClinVar's aggregate classification.
Comment: ITGA2B: BP4, BS1

Blueprint Genetics
Classification: Uncertain significance. Last evaluated: 2024-11-25. Review status: criteria provided, single submitter. Criteria: ACMG Guidelines, 2015. Collection method: clinical testing. Allele origin: germline. Not counted in ClinVar's aggregate classification.

Illumina Laboratory Services, Illumina
Classification: Uncertain significance for Glanzmann thrombasthenia 1. Last evaluated: 2018-01-13. Review status: criteria provided, single submitter. Criteria: ICSL Variant Classification Criteria 13 December 2019. Collection method: clinical testing. Allele origin: germline. Not counted in ClinVar's aggregate classification.

NM_000419.5(ITGA2B):c.1708G>A (p.Gly570Arg)

Gene: ITGA2B (integrin subunit alpha 2b; minus strand). Cytogenetic location: 17q21.31.
Variant type: single nucleotide variant.
Coding change: c.1708G>A on transcript NM_000419.5 (MANE Select); coding-DNA position 1708, G replaced by A.
Protein change: p.Gly570Arg; replaces glycine 570 with arginine.
Molecular consequence: missense variant.
Genome position (GRCh38, 1-based): chr17:44,380,046, C>T on the plus strand (G>A on the coding strand, the complement: ITGA2B is on the minus strand). VCF-style: chr17-44380046-C-T. GRCh37 (hg19) VCF-style: chr17-42457414-C-T.
Other names: NM_000419.5(ITGA2B):c.1708G>A; p.Gly570Arg; short protein forms G570R.
Identifiers: ClinVar variation 892302 (VCV000892302.17), dbSNP rs146382550, ClinGen allele CA8602976.
Genomic context (GRCh38, chr17:44,380,046, plus strand): 5'-CCCTGCCTGGGCGTACTCGAAGGAAGGCCATGGTGGTGTGGCAGATGGGGCTGTGCTTTC[C>T]GCCCAGATCCAGGTTCAGGGTGGTGCCTGCCTGTTGAGAGCCCAGCAGCAGCACCCGCCG-3'
Protein context (NP_000410.2, residues 560-580): AGTTLNLDLG[Gly570Arg]KHSPICHTTM